The following is an entry in ClinVar:

ClinVar aggregate classification (germline): Likely benign. Review status: criteria provided, multiple submitters, no conflicts (2 of 4 stars). 3 submissions from 3 submitters: Likely benign (2). 1 of the submissions does not count toward it. Last evaluated 2025-12-23.

Conditions:
Kabuki syndrome. Also called: NIIKAWA-KUROKI SYNDROME; Kabuki make-up syndrome. Identifiers: Orphanet 2322, MedGen C0796004, MONDO:0016512.
KMT2D-related disorder. Also called: KMT2D-Related Disorders.

Allele frequency attached by ClinVar (database versions not stated): gnomAD exomes 0.00002; gnomAD 0.00001; ESP Exome Variant Server 0.00008; ExAC 0.00001.
gnomAD v4.1: 24 of 1,613,896 alleles (0.0015%); highest among the groups gnomAD compares: Middle Eastern, 0.016%; no homozygotes.

Submissions (3):

Labcorp Genetics (formerly Invitae), Labcorp
Classification: Likely benign for Kabuki syndrome. Last evaluated: 2025-12-23. Review status: criteria provided, single submitter. Criteria: Invitae Variant Classification Sherloc (09022015). Collection method: clinical testing. Allele origin: germline.

GeneDx
Classification: Likely benign. Last evaluated: 2020-02-03. Review status: criteria provided, single submitter. Criteria: GeneDx Variant Classification Process June 2021. Collection method: clinical testing. Allele origin: germline. Affected: yes.

PreventionGenetics, part of Exact Sciences
Classification: Likely benign for KMT2D-related condition. Last evaluated: 2021-08-31. Review status: no assertion criteria provided. Collection method: clinical testing. Allele origin: germline. Not counted in ClinVar's aggregate classification.
Comment: This variant is classified as likely benign based on ACMG/AMP sequence variant interpretation guidelines (Richards et al. 2015 PMID: 25741868, with internal and published modifications).

NM_003482.4(KMT2D):c.7926C>T (p.Val2642=)

Gene: KMT2D (lysine methyltransferase 2D; minus strand). Cytogenetic location: 12q13.12.
Variant type: single nucleotide variant.
Coding change: c.7926C>T on transcript NM_003482.4 (MANE Select); coding-DNA position 7926, C replaced by T.
Protein change: p.Val2642=; no amino-acid change (valine 2642 retained).
Molecular consequence: synonymous variant.
Genome position (GRCh38, 1-based): chr12:49,039,844, G>A on the plus strand (C>T on the coding strand, the complement: KMT2D is on the minus strand). VCF-style: chr12-49039844-G-A. GRCh37 (hg19) VCF-style: chr12-49433627-G-A.
Identifiers: ClinVar variation 1216125 (VCV001216125.13), dbSNP rs368249592, ClinGen allele CA6546968.